The following is an entry in ClinVar:

NM_007294.4(BRCA1):c.2586_2593del (p.Val863fs)

Gene: BRCA1 (BRCA1 DNA repair associated; minus strand). Cytogenetic location: 17q21.31.
Variant type: Deletion.
Coding change: c.2586_2593del on transcript NM_007294.4 (MANE Select); coding-DNA positions 2586 to 2593, 8 bases deleted (GGTTTCAA; older notation c.2586_2593delGGTTTCAA).
Protein change: p.Val863fs; shifts the reading frame from valine 863.
Molecular consequence: frameshift variant. On other transcripts: intron variant (137).
Genome position (GRCh38, 1-based): chr17:43,092,938-43,092,945, TTGAAACC deleted on the plus strand (GGTTTCAA on the coding strand, the reverse complement: BRCA1 is on the minus strand); deleting any 8 consecutive bases within chr17:43,092,938-43,092,950 gives the same sequence; the c. name uses the placement nearest the transcript's 3' end. VCF-style (leftmost placement, unchanged base first): chr17-43092937-TTTGAAACC-T. GRCh37 (hg19) VCF-style: chr17-41244954-TTTGAAACC-T.
Other names: 2705del8; c.2586_2593delGGTTTCAA (NM_007294.3); c.2445_2452del, p.Val816fs (NM_001407738.1, NM_001407739.1, NM_001407750.1 and 29 more transcripts); c.2442_2449del, p.Val815fs (NM_001407749.1, NM_001407838.1, NM_001407839.1 and 20 more transcripts); c.2373_2380del, p.Val792fs (NM_001407853.1, NM_001407894.1, NM_001407895.1 and 9 more transcripts); c.2586_2593del, p.Val863fs (NM_001407854.1, NM_001407858.1, NM_001407859.1 and 30 more transcripts); c.2583_2590del, p.Val862fs (NM_001407860.1, NM_001407861.1, NM_001407587.1 and 22 more transcripts); c.2385_2392del, p.Val796fs (NM_001407862.1); and 43 more; short protein forms V816fs, V863fs, V567fs, V751fs, V796fs, V836fs, V736fs, V793fs.
Identifiers: ClinVar variation 125575 (VCV000125575.4), dbSNP rs80357675, ClinGen allele CA001700.

ClinVar aggregate classification (germline): Pathogenic. Review status: reviewed by expert panel (3 of 4 stars). 3 submissions from 3 submitters: Pathogenic (1). 2 of the submissions do not count toward it. Last evaluated 2016-09-08.

Conditions:
Breast-ovarian cancer, familial, susceptibility to, 1 (BROVCA1). Also called: BRCA1 Hereditary Breast and Ovarian Cancer; OVARIAN CANCER, SUSCEPTIBILITY TO. Identifiers: Orphanet 145, MedGen C2676676, MONDO:0011450, OMIM 604370. Disease mechanism: loss of function.

Submissions (3):

Evidence-based Network for the Interpretation of Germline Mutant Alleles (ENIGMA)
Classification: Pathogenic for Breast-ovarian cancer, familial, susceptibility to, 1. Last evaluated: 2016-09-08. Review status: reviewed by expert panel. Criteria: ENIGMA BRCA1/2 Classification Criteria (2015). Collection method: curation. Allele origin: germline.
Comment: Variant allele predicted to encode a truncated non-functional protein.

Consortium of Investigators of Modifiers of BRCA1/2 (CIMBA), c/o University of Cambridge
Classification: Pathogenic for Breast-ovarian cancer, familial, susceptibility to, 1. Last evaluated: 2015-10-02. Review status: criteria provided, single submitter. Criteria: CIMBA Mutation Classification guidelines May 2016. Collection method: clinical testing. Allele origin: germline. Not counted in ClinVar's aggregate classification.

Breast Cancer Information Core (BIC) (BRCA1)
Classification: Pathogenic for Breast-ovarian cancer, familial 1. Review status: no assertion criteria provided. Collection method: clinical testing. Allele origin: germline. Affected: yes. Observed: 1 variant allele. Not counted in ClinVar's aggregate classification.